The following is an entry in ClinVar:

NM_001365276.2(TNXB):c.5096G>T (p.Gly1699Val)

Gene: TNXB (tenascin XB; minus strand). Cytogenetic location: 6p21.33.
Variant type: single nucleotide variant.
Coding change: c.5096G>T on transcript NM_001365276.2 (MANE Select); coding-DNA position 5096, G replaced by T.
Protein change: p.Gly1699Val; replaces glycine 1699 with valine.
Molecular consequence: missense variant.
Genome position (GRCh38, 1-based): chr6:32,070,309, C>A on the plus strand (G>T on the coding strand, the complement: TNXB is on the minus strand). VCF-style: chr6-32070309-C-A. GRCh37 (hg19) VCF-style: chr6-32038086-C-A.
Other names: c.5837G>T, p.Gly1946Val (NM_001428335.1); c.5096G>T, p.Gly1699Val (NM_019105.8); short protein forms G1699V, G1946V.
Identifiers: ClinVar variation 4689572 (VCV004689572.1).

ClinVar aggregate classification (germline): Uncertain significance (1 of 4 stars; one submission).

Submission:

Women's Health and Genetics/Laboratory Corporation of America, LabCorp
Classification: Uncertain significance. Last evaluated: 2026-01-07. Review status: criteria provided, single submitter. Criteria: LabCorp Variant Classification Summary - May 2015. Collection method: clinical testing. Allele origin: germline.
Comment: Variant summary: TNXB c.5096G>T (p.Gly1699Val) results in a non-conservative amino acid change in the encoded protein sequence. Algorithms developed to predict the effect of missense changes on protein structure and function are either unavailable or do not agree on the potential impact of this missense change. The variant was absent in 247912 control chromosomes. The available data on variant occurrences in the general population are insufficient to allow any conclusion about variant significance. To our knowledge, no occurrence of c.5096G>T in individuals affected with TNXB-related conditions and no experimental evidence demonstrating its impact on protein function have been reported. No submitters have cited clinical-significance assessments for this variant to ClinVar. Based on the evidence outlined above, the variant was classified as uncertain significance.